The following is an entry in ClinVar:

ClinVar aggregate classification (germline): Benign (1 of 4 stars; one submission).

Allele frequency attached by ClinVar (database versions not stated): TOPMed 0.21747; gnomAD 0.22938 and 0.24021; 1000 Genomes Project 30x 0.27155; 1000 Genomes Project 0.28135.
gnomAD v4.1: 36,641 of 152,128 alleles (24%); highest among the groups gnomAD compares: South Asian, 47%; 5,540 homozygotes.

Submission:

GeneDx
Classification: Benign. Last evaluated: 2018-06-14. Review status: criteria provided, single submitter. Criteria: GeneDx Variant Classification (06012015). Collection method: clinical testing. Allele origin: germline. Affected: yes.
Comment: This variant is considered likely benign or benign based on one or more of the following criteria: it is a conservative change, it occurs at a poorly conserved position in the protein, it is predicted to be benign by multiple in silico algorithms, and/or has population frequency not consistent with disease.

NM_007215.4(POLG2):c.1111-157T>G

Genes: MILR1 (mast cell immunoglobulin like receptor 1; plus strand), POLG2 (DNA polymerase gamma 2, accessory subunit; minus strand). Cytogenetic location: 17q23.3.
Variant type: single nucleotide variant.
Coding change: c.1111-157T>G on transcript NM_007215.4 (MANE Select); 157 bases into the intron before coding-DNA position 1111, T replaced by G.
Molecular consequence: intron variant.
Genome position (GRCh38, 1-based): chr17:64,483,156, A>C on the plus strand (T>G on the coding strand, the complement: POLG2 is on the minus strand). VCF-style: chr17-64483156-A-C. GRCh37 (hg19) VCF-style: chr17-62479273-A-C.
Identifiers: ClinVar variation 667974 (VCV000667974.1), dbSNP rs17650301, ClinGen allele CA15891031.